The following is an entry in ClinVar:

NM_004656.4(BAP1):c.273T>A (p.Cys91Ter)

Gene: BAP1 (BRCA1 associated deubiquitinase 1; minus strand). Cytogenetic location: 3p21.1.
Variant type: single nucleotide variant.
Coding change: c.273T>A on transcript NM_004656.4 (MANE Select); coding-DNA position 273, T replaced by A.
Protein change: p.Cys91Ter; replaces cysteine 91 with a stop codon.
Molecular consequence: nonsense.
Genome position (GRCh38, 1-based): chr3:52,408,060, A>T on the plus strand (T>A on the coding strand, the complement: BAP1 is on the minus strand). VCF-style: chr3-52408060-A-T. GRCh37 (hg19) VCF-style: chr3-52442076-A-T.
Other names: c.273T>A, p.Cys91Ter (NM_001410772.1); short protein forms C91*.
Identifiers: ClinVar variation 1709584 (VCV001709584.2), dbSNP rs2153228144, ClinGen allele CA353112601.
Genomic context (GRCh38, chr3:52,408,060, plus strand): 5'-GGTGGGTCCCAGGTCCACGCTGCTGCAGTTCAGGAGCACGCTCAGCAAGGCATGAGTTGC[A>T]CAAGAGTTGGGTATCAGCTGTGAAACCAAGAATAGTCACCCATACACAGCACCCCTCACT-3'

ClinVar aggregate classification (germline): Likely pathogenic (1 of 4 stars; one submission).

Conditions:
BAP1-related tumor predisposition syndrome (TPDS1). Also called: COMMON Syndrome; TUMOR PREDISPOSITION SYNDROME 1; BAP1 tumor predisposition syndrome; Tumor susceptibility linked to germline BAP1 mutations. Identifiers: Orphanet 289539, MedGen C3280492, MONDO:0013692, OMIM 614327.

Submission:

MGZ Medical Genetics Center
Classification: Likely pathogenic for BAP1-related tumor predisposition syndrome. Last evaluated: 2022-07-20. Review status: criteria provided, single submitter. Criteria: ACMG Guidelines, 2015. Collection method: clinical testing. Allele origin: germline. Affected: yes. Observed: 1 variant allele.
Comment: ACMG criteria applied: PVS1, PM2_SUP